The following is an entry in ClinVar:

Conditions:
Long QT syndrome 5 (LQT5). Identifiers: Orphanet 101016, Orphanet 768, MedGen C1867904, MONDO:0013372, OMIM 613695.

Submission:

Roden Lab, Vanderbilt University Medical Center
No classification provided (evidence only). Condition: Long QT syndrome 5. Review status: no classification provided. Collection method: in vitro. Allele origin: not applicable. Functional consequence: Effect on ion channel function.
ClinVar note: "not provided" was previously submitted as the classification for the variant. However, the classification appeared to be based only on an observation of functional data so it was converted to no classification on 2025-07-30.

NM_000219.6(KCNE1):c.319T>G (p.Tyr107Asp)

Gene: KCNE1 (potassium voltage-gated channel subfamily E regulatory subunit 1; minus strand). Cytogenetic location: 21q22.12.
Variant type: single nucleotide variant.
Coding change: c.319T>G on transcript NM_000219.6 (MANE Select); coding-DNA position 319, T replaced by G.
Protein change: p.Tyr107Asp; replaces tyrosine 107 with aspartic acid.
Molecular consequence: missense variant.
Genome position (GRCh38, 1-based): chr21:34,449,316, A>C on the plus strand (T>G on the coding strand, the complement: KCNE1 is on the minus strand). VCF-style: chr21-34449316-A-C. GRCh37 (hg19) VCF-style: chr21-35821614-A-C.
Other names: c.319T>G, p.Tyr107Asp (NM_001127668.4, NM_001127669.4, NM_001127670.4 and 4 more transcripts); short protein forms Y107D.
Identifiers: ClinVar variation 3374628 (VCV003374628.2).
Genomic context (GRCh38, chr21:34,449,316, plus strand): 5'-GCTTCGTCTCAGGAAGGTGTGTGTTGGGTTGTTCTATGGCCAGATGGTTTTCAACGACAT[A>C]GCACGACCTGTAGCTCTCCAGGACCCGGGCCTGGACATAGGCCTTGTCCTTCTCTTGCCA-3'
Protein context (NP_000210.2, residues 97-117): ARVLESYRSC[Tyr107Asp]VVENHLAIEQ